The following is an entry in ClinVar:

NM_001127178.3(PIGG):c.2750G>C (p.Ser917Thr)

Gene: PIGG (phosphatidylinositol glycan anchor biosynthesis class G (EMM blood group); plus strand). Cytogenetic location: 4p16.3.
Variant type: single nucleotide variant.
Coding change: c.2750G>C on transcript NM_001127178.3 (MANE Select); coding-DNA position 2750, G replaced by C.
Protein change: p.Ser917Thr; replaces serine 917 with threonine.
Molecular consequence: missense variant. On other transcripts: non-coding transcript variant (10).
Genome position (GRCh38, 1-based): chr4:539,167, G>C. VCF-style: chr4-539167-G-C. GRCh37 (hg19) VCF-style: chr4-532956-G-C.
Other names: c.2483G>C, p.Ser828Thr (NM_001289051.2, NM_001345986.2); c.2351G>C, p.Ser784Thr (NM_001289052.2); c.2459G>C, p.Ser820Thr (NM_001345987.2); c.1721G>C, p.Ser574Thr (NM_001345988.2); c.1217G>C, p.Ser406Thr (NM_001345990.2, NM_001345991.2); c.1652G>C, p.Ser551Thr (NM_001345994.2); c.2726G>C, p.Ser909Thr (NM_017733.5); short protein forms S406T, S820T, S551T, S828T, S917T, S574T, S784T, S909T.
Identifiers: ClinVar variation 2011269 (VCV002011269.4), dbSNP rs2475197527, ClinGen allele CA355913025.

ClinVar aggregate classification (germline): Uncertain significance (1 of 4 stars; one submission).

Conditions:
Intellectual disability, autosomal recessive 53 (NEDHSCA). Also called: NEURODEVELOPMENTAL DISORDER WITH OR WITHOUT HYPOTONIA, SEIZURES, AND CEREBELLAR ATROPHY; GLYCOSYLPHOSPHATIDYLINOSITOL BIOSYNTHESIS DEFECT 13; Mental retardation, autosomal recessive 53. Identifiers: Orphanet 488635, MedGen C4310794, MONDO:0014832, OMIM 616917.

Submission:

Labcorp Genetics (formerly Invitae), Labcorp
Classification: Uncertain significance for Intellectual disability, autosomal recessive 53. Last evaluated: 2022-07-05. Review status: criteria provided, single submitter. Criteria: Invitae Variant Classification Sherloc (09022015). Collection method: clinical testing. Allele origin: germline.
Comment: In summary, the available evidence is currently insufficient to determine the role of this variant in disease. Therefore, it has been classified as a Variant of Uncertain Significance. Algorithms developed to predict the effect of missense changes on protein structure and function (SIFT, PolyPhen-2, Align-GVGD) all suggest that this variant is likely to be tolerated. This sequence change replaces serine, which is neutral and polar, with threonine, which is neutral and polar, at codon 917 of the PIGG protein (p.Ser917Thr). This variant is not present in population databases (gnomAD no frequency). This variant has not been reported in the literature in individuals affected with PIGG-related conditions.